The following is an entry in ClinVar:

NM_000044.6(AR):c.2039_2056del (p.Ala680_Val685del)

Gene: AR (androgen receptor; plus strand). Cytogenetic location: Xq12.
Variant type: Deletion.
Coding change: c.2039_2056del on transcript NM_000044.6 (MANE Select); coding-DNA positions 2039 to 2056, 18 bases deleted (CCATTGAGCCAGGTGTAG).
Protein change: p.Ala680_Val685del.
Molecular consequence: inframe deletion.
Genome position (GRCh38, 1-based): chrX:67,711,555-67,711,572, CCATTGAGCCAGGTGTAG deleted; deleting any 18 consecutive bases within chrX:67,711,553-67,711,572 gives the same sequence; the c. name uses the placement nearest the transcript's 3' end. VCF-style (leftmost placement, unchanged base first): chrX-67711552-AAGCCATTGAGCCAGGTGT-A. GRCh37 (hg19) VCF-style: chrX-66931394-AAGCCATTGAGCCAGGTGT-A.
Other names: c.443_460del, p.Ala148_Val153del (NM_001011645.3).
Identifiers: ClinVar variation 373055 (VCV000373055.2), dbSNP rs1057518177, ClinGen allele CA16043328.
Genomic context (GRCh38, chrX:67,711,552, plus strand): 5'-AGCTGACAGTGTCACACATTGAAGGCTATGAATGTCAGCCCATCTTTCTGAATGTCCTGG[AAGCCATTGAGCCAGGTGT>A]AGTGTGTGCTGGACACGACAACAACCAGCCCGACTCCTTTGCAGCCTTGCTCTCTAGCCT-3'

ClinVar aggregate classification (germline): Pathogenic (1 of 4 stars; one submission).

Submission:

GeneDx
Classification: Pathogenic. Last evaluated: 2018-03-19. Review status: criteria provided, single submitter. Criteria: GeneDx Variant Classification (06012015). Collection method: clinical testing. Allele origin: germline. Affected: yes.
Comment: The c.2039_2056del18 variant in the AR gene has not been reported previously as a pathogenic variant nor as a benign variant, to our knowledge. The c.2039_2056del18 variant results in the in-frame deletion of six amino acids, denoted p.Ala680_Val685del. This change is expected to alter the normal structure and function of the resultant protein. The c.2039_2056del18 variant was not observed in approximately 6500 individuals of European and African American ancestry in the NHLBI Exome Sequencing Project, indicating it is not a common benign variant in these populations. We interpret c.2039_2056del18 as a pathogenic variant.